The following is an entry in ClinVar:

ClinVar aggregate classification (germline): Uncertain significance (1 of 4 stars; one submission).

Allele frequency attached by ClinVar (database versions not stated): gnomAD exomes below 0.00001.
gnomAD v4.1: 1 of 1,614,030 alleles (0.000062%); highest among the groups gnomAD compares: Non-Finnish European, 0.000085%; no homozygotes.

Submission:

Labcorp Genetics (formerly Invitae), Labcorp
Classification: Uncertain significance. Last evaluated: 2022-08-15. Review status: criteria provided, single submitter. Criteria: Invitae Variant Classification Sherloc (09022015). Collection method: clinical testing. Allele origin: germline.
Comment: In summary, the available evidence is currently insufficient to determine the role of this variant in disease. Therefore, it has been classified as a Variant of Uncertain Significance. Algorithms developed to predict the effect of missense changes on protein structure and function are either unavailable or do not agree on the potential impact of this missense change (SIFT: "Deleterious"; PolyPhen-2: "Probably Damaging"; Align-GVGD: "Class C0"). ClinVar contains an entry for this variant (Variation ID: 1445522). This variant has not been reported in the literature in individuals affected with COL7A1-related conditions. This variant is not present in population databases (gnomAD no frequency). This sequence change replaces proline, which is neutral and non-polar, with leucine, which is neutral and non-polar, at codon 2559 of the COL7A1 protein (p.Pro2559Leu).

NM_000094.4(COL7A1):c.7676C>T (p.Pro2559Leu)

Gene: COL7A1 (collagen type VII alpha 1 chain; minus strand). Cytogenetic location: 3p21.31.
Variant type: single nucleotide variant.
Coding change: c.7676C>T on transcript NM_000094.4 (MANE Select); coding-DNA position 7676, C replaced by T.
Protein change: p.Pro2559Leu; replaces proline 2559 with leucine.
Molecular consequence: missense variant.
Genome position (GRCh38, 1-based): chr3:48,569,385, G>A on the plus strand (C>T on the coding strand, the complement: COL7A1 is on the minus strand). VCF-style: chr3-48569385-G-A. GRCh37 (hg19) VCF-style: chr3-48606818-G-A.
Other names: short protein forms P2559L.
Identifiers: ClinVar variation 1445522 (VCV001445522.6), dbSNP rs2043771641, ClinGen allele CA352643603.
Genomic context (GRCh38, chr3:48,569,385, plus strand): 5'-CACCACAGCCACAGGACCCCACAGAGAGTACACCACCCTCTTCCCTGTACCTTGTCACCA[G>A]GGTCCCCATTGTCTCCCCGAGGTCCTTTGTCACCATCCAAGCCCCGAGGCCCTCGTTCAC-3'
Protein context (NP_000085.1, residues 2549-2569): DKGPRGDNGD[Pro2559Leu]GDKGSKGEPG